The following is an entry in ClinVar:

ClinVar aggregate classification (germline): Conflicting classifications of pathogenicity. Review status: criteria provided, conflicting classifications (1 of 4 stars). 4 submissions from 4 submitters: Pathogenic (1); Likely pathogenic (1); Uncertain significance (1). 1 of the submissions does not count toward it. Last evaluated 2025-03-13.

Conditions:
Deficiency of steroid 11-beta-monooxygenase (CYP11B1). Also called: 11-BETA-HYDROXYLASE DEFICIENCY; ADRENAL HYPERPLASIA, CONGENITAL, DUE TO STEROID 11-BETA-HYDROXYLASE DEFICIENCY; P450C11B1 DEFICIENCY; STEROID 11-BETA-HYDROXYLASE DEFICIENCY; ADRENAL HYPERPLASIA IV; Congenital adrenal hyperplasia due to 11-beta-hydroxylase deficiency. Identifiers: Orphanet 90795, MedGen C0268292, MONDO:0008729, OMIM 202010. Disease mechanism: loss of function.
Glucocorticoid-remediable aldosteronism. Also called: ACTH-DEPENDENT HYPERALDOSTERONISM SYNDROME; ALDOSTERONISM, SENSITIVE TO DEXAMETHASONE; FH I; GLUCOCORTICOID-SUPPRESSIBLE HYPERALDOSTERONISM; Hyperaldosteronism, familial, type I. Identifiers: Orphanet 403, MedGen C3838731, MONDO:0007080, OMIM 103900.

Allele frequency attached by ClinVar (database versions not stated): gnomAD exomes below 0.00001 and 0.00001; ExAC 0.00001; TOPMed 0.00001.

Submissions (4):

Labcorp Genetics (formerly Invitae), Labcorp
Classification: Pathogenic. Last evaluated: 2025-03-13. Review status: criteria provided, single submitter. Criteria: Invitae Variant Classification Sherloc (09022015). Collection method: clinical testing. Allele origin: germline.
Comment: This sequence change replaces tryptophan, which is neutral and slightly polar, with glycine, which is neutral and non-polar, at codon 116 of the CYP11B1 protein (p.Trp116Gly). This variant is present in population databases (rs772733691, gnomAD 0.003%). This missense change has been observed in individuals with autosomal recessive adrenal hyperplasia (PMID: 20089618; internal data). ClinVar contains an entry for this variant (Variation ID: 553208). Invitae Evidence Modeling of protein sequence and biophysical properties (such as structural, functional, and spatial information, amino acid conservation, physicochemical variation, residue mobility, and thermodynamic stability) indicates that this missense variant is expected to disrupt CYP11B1 protein function with a positive predictive value of 95%. Experimental studies have shown that this missense change affects CYP11B1 function (PMID: 20089618). This variant disrupts the p.Trp116 amino acid residue in CYP11B1. Other variant(s) that disrupt this residue have been determined to be pathogenic (PMID: 15755848, 18204274, 28228528). This suggests that this residue is clinically significant, and that variants that disrupt this residue are likely to be disease-causing. For these reasons, this variant has been classified as Pathogenic.

Fulgent Genetics
Classification: Likely pathogenic for Glucocorticoid-remediable aldosteronism; Deficiency of steroid 11-beta-monooxygenase. Last evaluated: 2024-03-05. Review status: criteria provided, single submitter. Criteria: ACMG Guidelines, 2015. Collection method: clinical testing. Allele origin: germline.

Illumina Laboratory Services, Illumina
Classification: Uncertain significance for Glucocorticoid-remediable aldosteronism. Last evaluated: 2017-04-28. Review status: criteria provided, single submitter. Criteria: ICSL Variant Classification Criteria 13 December 2019. Collection method: clinical testing. Allele origin: germline.

Counsyl
Classification: Uncertain significance for Deficiency of steroid 11-beta-monooxygenase. Last evaluated: 2017-08-07. Review status: no assertion criteria provided. Collection method: clinical testing. Allele origin: unknown. Not counted in ClinVar's aggregate classification.

Literature cited by the submitters: PubMed 20089618 (cited by Labcorp Genetics (formerly Invitae), Labcorp and Counsyl); PubMed 15755848 (cited by Labcorp Genetics (formerly Invitae), Labcorp); PubMed 18204274 (cited by Labcorp Genetics (formerly Invitae), Labcorp); PubMed 28228528 (cited by Labcorp Genetics (formerly Invitae), Labcorp).

NM_000497.4(CYP11B1):c.346T>G (p.Trp116Gly)

Gene: CYP11B1 (cytochrome P450 family 11 subfamily B member 1; minus strand). Cytogenetic location: 8q24.3.
Variant type: single nucleotide variant.
Coding change: c.346T>G on transcript NM_000497.4 (MANE Select); coding-DNA position 346, T replaced by G.
Protein change: p.Trp116Gly; replaces tryptophan 116 with glycine.
Molecular consequence: missense variant.
Genome position (GRCh38, 1-based): chr8:142,879,081, A>C on the plus strand (T>G on the coding strand, the complement: CYP11B1 is on the minus strand). VCF-style: chr8-142879081-A-C. GRCh37 (hg19) VCF-style: chr8-143960497-A-C.
Other names: c.346T>G, p.Trp116Gly (NM_001026213.1); short protein forms W116G.
Identifiers: ClinVar variation 553208 (VCV000553208.17), dbSNP rs772733691, ClinGen allele CA4905551.